The following is an entry in ClinVar:

ClinVar aggregate classification (germline): Uncertain significance (1 of 4 stars; one submission).

Allele frequency attached by ClinVar (database versions not stated): gnomAD exomes below 0.00001; gnomAD 0.00001.
gnomAD v4.1: 3 of 1,613,960 alleles (0.00019%); highest among the groups gnomAD compares: Admixed American, 0.005%; no homozygotes.

Submission:

Labcorp Genetics (formerly Invitae), Labcorp
Classification: Uncertain significance. Last evaluated: 2024-12-06. Review status: criteria provided, single submitter. Criteria: Invitae Variant Classification Sherloc (09022015). Collection method: clinical testing. Allele origin: germline.
Comment: This sequence change replaces arginine, which is basic and polar, with isoleucine, which is neutral and non-polar, at codon 1172 of the ERBIN protein (p.Arg1172Ile). This variant is present in population databases (no rsID available, gnomAD 0.003%). This variant has not been reported in the literature in individuals affected with ERBIN-related conditions. ClinVar contains an entry for this variant (Variation ID: 2181171). An algorithm developed to predict the effect of missense changes on protein structure and function (PolyPhen-2) suggests that this variant is likely to be disruptive. In summary, the available evidence is currently insufficient to determine the role of this variant in disease. Therefore, it has been classified as a Variant of Uncertain Significance.

NM_001253697.2(ERBIN):c.3515G>T (p.Arg1172Ile)

Gene: ERBIN (erbb2 interacting protein; plus strand). Cytogenetic location: 5q12.3.
Variant type: single nucleotide variant.
Coding change: c.3515G>T on transcript NM_001253697.2 (MANE Select); coding-DNA position 3515, G replaced by T.
Protein change: p.Arg1172Ile; replaces arginine 1172 with isoleucine.
Molecular consequence: missense variant.
Genome position (GRCh38, 1-based): chr5:66,054,833, G>T. VCF-style: chr5-66054833-G-T. GRCh37 (hg19) VCF-style: chr5-65350661-G-T.
Other names: c.3515G>T, p.Arg1172Ile (NM_001006600.3, NM_001253698.2, NM_001253699.2 and 1 more transcripts); c.3503G>T, p.Arg1168Ile (NM_001253701.2); short protein forms R1172I, R1168I.
Identifiers: ClinVar variation 2181171 (VCV002181171.4), dbSNP rs1357344314, ClinGen allele CA359870000.
Genomic context (GRCh38, chr5:66,054,833, plus strand): 5'-TACCAGAGAGAACTATGTCAGTTAGTGATTTCAATTATTCACGGACTAGTCCTTCAAAAA[G>T]ACCAAATGCAAGGGTTGGTTCTGAGCATTCTTTATTAGATCCTCCAGGAAAAAGTAAAGT-3'
Protein context (NP_001240626.1, residues 1162-1182): FNYSRTSPSK[Arg1172Ile]PNARVGSEHS